The following is an entry in ClinVar:

NM_001017995.3(SH3PXD2B):c.731G>A (p.Arg244Lys)

Gene: SH3PXD2B (SH3 and PX domains 2B; minus strand). Cytogenetic location: 5q35.1.
Variant type: single nucleotide variant.
Coding change: c.731G>A on transcript NM_001017995.3 (MANE Select); coding-DNA position 731, G replaced by A.
Protein change: p.Arg244Lys; replaces arginine 244 with lysine.
Molecular consequence: missense variant.
Genome position (GRCh38, 1-based): chr5:172,353,942, C>T on the plus strand (G>A on the coding strand, the complement: SH3PXD2B is on the minus strand). VCF-style: chr5-172353942-C-T. GRCh37 (hg19) VCF-style: chr5-171780946-C-T.
Other names: c.731G>A, p.Arg244Lys (NM_001308175.2); c.731G>A (NM_001017995.2); short protein forms R244K.
Identifiers: ClinVar variation 1998959 (VCV001998959.5), dbSNP rs1199308714, ClinGen allele CA362143364.
Genomic context (GRCh38, chr5:172,353,942, plus strand): 5'-TGGTACCTGATCTTCCACCAGCCTTCCAGGTTTTTCTGGATGACCTCCACCACAGCCCCT[C>T]TCTCCAGGTTCATTTCATCCTGGTCCCGAGCTGTGTACGGGTAGATGACTGTGTACTTCT-3'
Protein context (NP_001017995.1, residues 234-254): ARDQDEMNLE[Arg244Lys]GAVVEVIQKN

ClinVar aggregate classification (germline): Uncertain significance. Review status: criteria provided, multiple submitters, no conflicts (2 of 4 stars). 2 submissions from 2 submitters: Uncertain significance (2). Last evaluated 2025-10-22.

Conditions:
Inborn genetic diseases. Identifiers: MedGen C0950123, MeSH D030342.

Allele frequency attached by ClinVar (database versions not stated): TOPMed below 0.00001.
gnomAD v4.1: 1 of 1,614,110 alleles (0.000062%); highest among the groups gnomAD compares: Non-Finnish European, 0.000085%; no homozygotes.

Submissions (2):

Ambry Genetics
Classification: Uncertain significance for Inborn genetic diseases. Last evaluated: 2025-10-22. Review status: criteria provided, single submitter. Criteria: Ambry Variant Classification Scheme 2023. Collection method: clinical testing. Allele origin: germline.

Labcorp Genetics (formerly Invitae), Labcorp
Classification: Uncertain significance. Last evaluated: 2022-05-25. Review status: criteria provided, single submitter. Criteria: Invitae Variant Classification Sherloc (09022015). Collection method: clinical testing. Allele origin: germline.
Comment: In summary, the available evidence is currently insufficient to determine the role of this variant in disease. Therefore, it has been classified as a Variant of Uncertain Significance. Algorithms developed to predict the effect of missense changes on protein structure and function (SIFT, PolyPhen-2, Align-GVGD) all suggest that this variant is likely to be tolerated. This variant has not been reported in the literature in individuals affected with SH3PXD2B-related conditions. This variant is not present in population databases (gnomAD no frequency). This sequence change replaces arginine, which is basic and polar, with lysine, which is basic and polar, at codon 244 of the SH3PXD2B protein (p.Arg244Lys).